The following is an entry in ClinVar:

ClinVar aggregate classification (germline): Conflicting classifications of pathogenicity. Review status: criteria provided, conflicting classifications (1 of 4 stars). 4 submissions from 4 submitters: Likely pathogenic (1); Uncertain significance (3). Last evaluated 2025-06-10.

Conditions:
Inborn genetic diseases. Identifiers: MedGen C0950123, MeSH D030342.

Allele frequency attached by ClinVar (database versions not stated): gnomAD exomes below 0.00001.
gnomAD v4.1: 1 of 1,614,122 alleles (0.000062%); highest among the groups gnomAD compares: Non-Finnish European, 0.000085%; no homozygotes.

Submissions (4):

GeneDx
Classification: Likely pathogenic. Last evaluated: 2025-06-10. Review status: criteria provided, single submitter. Criteria: GeneDx Variant Classification Process June 2021. Collection method: clinical testing. Allele origin: germline. Affected: yes.
Comment: Not observed at significant frequency in large population cohorts (gnomAD); In silico analysis supports that this missense variant has a deleterious effect on protein structure/function; Has not been previously published as pathogenic or benign to our knowledge; This variant is associated with the following publications: (PMID: 22965130, 24388491, 25439726)

Women's Health and Genetics/Laboratory Corporation of America, LabCorp
Classification: Uncertain significance. Last evaluated: 2025-02-05. Review status: criteria provided, single submitter. Criteria: LabCorp Variant Classification Summary - May 2015. Collection method: clinical testing. Allele origin: germline.
Comment: Variant summary: IGHMBP2 c.605T>C (p.Phe202Ser) results in a non-conservative amino acid change in the encoded protein sequence. Five of five in-silico tools predict a damaging effect of the variant on protein function. The variant was absent in 251480 control chromosomes (gnomAD). The available data on variant occurrences in the general population are insufficient to allow any conclusion about variant significance. To our knowledge, no occurrence of c.605T>C in individuals affected with Charcot-Marie-Tooth disease axonal type 2S and no experimental evidence demonstrating its impact on protein function have been reported. ClinVar contains an entry for this variant (Variation ID: 1751325). Based on the evidence outlined above, the variant was classified as uncertain significance.

Athena Diagnostics
Classification: Uncertain significance. Last evaluated: 2023-12-15. Review status: criteria provided, single submitter. Criteria: Athena Diagnostics Criteria. Collection method: clinical testing. Allele origin: unknown.
Comment: Available data are insufficient to determine the clinical significance of the variant at this time. This variant has not been reported in large, multi-ethnic general populations. Computational tools predict that this variant is damaging.

Ambry Genetics
Classification: Uncertain significance for Inborn genetic diseases. Last evaluated: 2022-05-22. Review status: criteria provided, single submitter. Criteria: Ambry Variant Classification Scheme 2023. Collection method: clinical testing. Allele origin: germline.
Comment: The p.F202S variant (also known as c.605T>C), located in coding exon 5 of the IGHMBP2 gene, results from a T to C substitution at nucleotide position 605. The phenylalanine at codon 202 is replaced by serine, an amino acid with highly dissimilar properties. This amino acid position is conserved. In addition, the in silico prediction for this alteration is inconclusive. Since supporting evidence is limited at this time, the clinical significance of this alteration remains unclear.

NM_002180.3(IGHMBP2):c.605T>C (p.Phe202Ser)

Gene: IGHMBP2 (immunoglobulin mu DNA binding protein 2; plus strand). Cytogenetic location: 11q13.3.
Variant type: single nucleotide variant.
Coding change: c.605T>C on transcript NM_002180.3 (MANE Select); coding-DNA position 605, T replaced by C.
Protein change: p.Phe202Ser; replaces phenylalanine 202 with serine.
Molecular consequence: missense variant.
Genome position (GRCh38, 1-based): chr11:68,911,497, T>C. VCF-style: chr11-68911497-T-C. GRCh37 (hg19) VCF-style: chr11-68678965-T-C.
Other names: short protein forms F202S.
Identifiers: ClinVar variation 1751325 (VCV001751325.5), dbSNP rs2495964456, ClinGen allele CA381643787.